The following is an entry in ClinVar:

ClinVar aggregate classification (germline): Benign/Likely benign. Review status: criteria provided, multiple submitters, no conflicts (2 of 4 stars). 3 submissions from 3 submitters: Benign (1); Likely benign (2). Last evaluated 2023-08-16.

Allele frequency attached by ClinVar (database versions not stated): 1000 Genomes Project 30x 0.00016; 1000 Genomes Project 0.00020; ESP Exome Variant Server 0.00023; gnomAD exomes 0.00055 and 0.00078; gnomAD 0.00061 and 0.00065; ExAC 0.00075; TOPMed 0.00085.
gnomAD v4.1: 935 of 1,612,316 alleles (0.058%); highest among the groups gnomAD compares: Middle Eastern, 0.74%; no homozygotes.

Submissions (3):

Women's Health and Genetics/Laboratory Corporation of America, LabCorp
Classification: Benign. Last evaluated: 2023-08-16. Review status: criteria provided, single submitter. Criteria: LabCorp Variant Classification Summary - May 2015. Collection method: clinical testing. Allele origin: germline.
Comment: Variant summary: CFHR2 c.760C>T (p.Arg254X) results in a premature termination codon, predicted to cause a truncation of the encoded protein or absence of the protein due to nonsense mediated decay, however the molecular mechanism of disease attributed to CFHR2 is gain-of-function. The variant allele was found at a frequency of 0.00078 in 249804 control chromosomes, predominantly at a frequency of 0.0014 within the Latino subpopulation in the gnomAD database. The observed variant frequency within Latino control individuals in the gnomAD database is approximately 9 fold of the estimated maximal expected allele frequency for a pathogenic variant in CFHR2 causing Genetic Atypical Hemolytic Uremic Syndrome phenotype (0.00016), strongly suggesting that the variant is a benign polymorphism found primarily in populations of Latino origin. c.760C>T has been reported in the literature in at least one individual affected with breast cancer (Torrezan_2018). These report(s) do not provide unequivocal conclusions about association of the variant with Genetic Atypical Hemolytic Uremic Syndrome. To our knowledge, no experimental evidence demonstrating an impact on protein function has been reported. The following publications have been ascertained in the context of this evaluation (PMID: 28784323, 29868112). One submitter has cited clinical-significance assessments for this variant to ClinVar after 2014 and has classified the variant as likely benign. Based on the evidence outlined above, the variant was classified as benign.

Labcorp Genetics (formerly Invitae), Labcorp
Classification: Likely benign. Last evaluated: 2019-12-31. Review status: criteria provided, single submitter. Criteria: Invitae Variant Classification Sherloc (09022015). Collection method: clinical testing. Allele origin: germline.

Breakthrough Genomics
Classification: Likely benign. Review status: criteria provided, single submitter. Criteria: ACMG Guidelines, 2015. Collection method: not provided. Allele origin: germline. Inheritance: Unknown mechanism. Affected: yes.

Literature cited by the submitters: PubMed 29868112 (cited by Women's Health and Genetics/Laboratory Corporation of America, LabCorp); PubMed 28784323 (cited by Women's Health and Genetics/Laboratory Corporation of America, LabCorp).

NM_005666.4(CFHR2):c.760C>T (p.Arg254Ter)

Gene: CFHR2 (complement factor H related 2; plus strand). Cytogenetic location: 1q31.3.
Variant type: single nucleotide variant.
Coding change: c.760C>T on transcript NM_005666.4 (MANE Select); coding-DNA position 760, C replaced by T.
Protein change: p.Arg254Ter; replaces arginine 254 with a stop codon.
Molecular consequence: nonsense.
Genome position (GRCh38, 1-based): chr1:196,959,027, C>T. VCF-style: chr1-196959027-C-T. GRCh37 (hg19) VCF-style: chr1-196928157-C-T.
Other names: c.388C>T, p.Arg130Ter (NM_001312672.1); short protein forms R130*, R254*.
Identifiers: ClinVar variation 729791 (VCV000729791.6), dbSNP rs41313888, ClinGen allele CA1307540.